The following is an entry in ClinVar:

NM_145290.4(ADGRA3):c.1865A>G (p.Gln622Arg)

Gene: ADGRA3 (adhesion G protein-coupled receptor A3; minus strand). Cytogenetic location: 4p15.2.
Variant type: single nucleotide variant.
Coding change: c.1865A>G on transcript NM_145290.4 (MANE Select); coding-DNA position 1865, A replaced by G.
Protein change: p.Gln622Arg; replaces glutamine 622 with arginine.
Molecular consequence: missense variant.
Genome position (GRCh38, 1-based): chr4:22,413,759, T>C on the plus strand (A>G on the coding strand, the complement: ADGRA3 is on the minus strand). VCF-style: chr4-22413759-T-C. GRCh37 (hg19) VCF-style: chr4-22415382-T-C.
Other names: short protein forms Q622R.
Identifiers: ClinVar variation 1014393 (VCV001014393.8), dbSNP rs1427964548, ClinGen allele CA356480273.
Genomic context (GRCh38, chr4:22,413,759, plus strand): 5'-CGGAATGCAATGAGTTGAAGCTTGTAAAGAGAGTCATCAGTTGGTCTGAGTTCTCTTTTT[T>C]GCTTTGGTGAGAAAAGGGAAGGAGGAAGCTGAATAGAAGCCTCCACAATAGTATTCTGAA-3'
Protein context (NP_660333.2, residues 612-632): QLPPSLFSPK[Gln622Arg]KRELRPTDDS

ClinVar aggregate classification (germline): Uncertain significance (1 of 4 stars; one submission).

gnomAD v4.1: 3 of 1,613,844 alleles (0.00019%); highest among the groups gnomAD compares: Admixed American, 0.0017%; no homozygotes.

Submission:

Labcorp Genetics (formerly Invitae), Labcorp
Classification: Uncertain significance. Last evaluated: 2023-03-08. Review status: criteria provided, single submitter. Criteria: Invitae Variant Classification Sherloc (09022015). Collection method: clinical testing. Allele origin: germline.
Comment: In summary, the available evidence is currently insufficient to determine the role of this variant in disease. Therefore, it has been classified as a Variant of Uncertain Significance. An algorithm developed to predict the effect of missense changes on protein structure and function (PolyPhen-2) suggests that this variant is likely to be tolerated. ClinVar contains an entry for this variant (Variation ID: 1014393). This variant has not been reported in the literature in individuals affected with ADGRA3-related conditions. This variant is present in population databases (no rsID available, gnomAD 0.003%). This sequence change replaces glutamine, which is neutral and polar, with arginine, which is basic and polar, at codon 622 of the ADGRA3 protein (p.Gln622Arg).